The following is an entry in ClinVar:

ClinVar aggregate classification (germline): Uncertain significance (1 of 4 stars; one submission).

Conditions:
Familial adenomatous polyposis 1 (FAP1). Also called: FAMILIAL ADENOMATOUS POLYPOSIS 1, ATTENUATED; POLYPOSIS, ADENOMATOUS INTESTINAL. Identifiers: MedGen C2713442, MONDO:0021056, OMIM 175100. Disease mechanism: loss of function.

Allele frequency attached by ClinVar (database versions not stated): gnomAD exomes below 0.00001; TOPMed below 0.00001; gnomAD 0.00001; 1000 Genomes Project 0.00020; 1000 Genomes Project 30x 0.00031.

Submission:

Labcorp Genetics (formerly Invitae), Labcorp
Classification: Uncertain significance for Familial adenomatous polyposis 1. Last evaluated: 2023-10-22. Review status: criteria provided, single submitter. Criteria: Invitae Variant Classification Sherloc (09022015). Collection method: clinical testing. Allele origin: germline.
Comment: This variant occurs in a non-coding region of the APC gene. It does not change the encoded amino acid sequence of the APC protein. This variant is not present in population databases (gnomAD no frequency). This variant has not been reported in the literature in individuals affected with APC-related conditions. ClinVar contains an entry for this variant (Variation ID: 639169). Experimental studies and prediction algorithms are not available or were not evaluated, and the functional significance of this variant is currently unknown. In summary, the available evidence is currently insufficient to determine the role of this variant in disease. Therefore, it has been classified as a Variant of Uncertain Significance.

NC_000005.10:g.112707433G>A

Gene: APC (APC regulator of Wnt signaling pathway; plus strand). Cytogenetic location: 5q22.2.
Variant type: single nucleotide variant.
Genome position: GRCh38 VCF-style: chr5-112707433-G-A. GRCh37 (hg19) VCF-style: chr5-112043130-G-A.
Identifiers: ClinVar variation 639169 (VCV000639169.47), dbSNP rs550204383, ClinGen allele CA124924656.
Genomic context (GRCh38, chr5:112,707,433, plus strand): 5'-CAATGGCTCACGGGACAGAACAGCGAAGCAGTGCCCGGCAAGCGGAGCGCAGCACCCATT[G>A]CGCCTGCGCATAACAGGCTCTAGTCTCCGGGCTGTGGGAAGCCAGCAACACCTCTCACGC-3'